The following is an entry in ClinVar:

ClinVar aggregate classification (germline): Likely benign. Review status: criteria provided, multiple submitters, no conflicts (2 of 4 stars). 3 submissions from 3 submitters: Likely benign (3). Last evaluated 2026-04-01.

Allele frequency attached by ClinVar (database versions not stated): TOPMed 0.00002; gnomAD exomes 0.00003 and 0.00004; gnomAD 0.00004; ESP Exome Variant Server 0.00008; ExAC 0.00009.
gnomAD v4.1: 60 of 1,574,364 alleles (0.0038%); highest among the groups gnomAD compares: Non-Finnish European, 0.0051%; no homozygotes.

Submissions (3):

CeGaT Center for Human Genetics Tuebingen
Classification: Likely benign. Last evaluated: 2026-04-01. Review status: criteria provided, single submitter. Criteria: CeGaT Center For Human Genetics Tuebingen Variant Classification Criteria Version 2. Collection method: clinical testing. Allele origin: germline. Affected: yes. Observed: 1 variant allele.
Comment: BCL11B: BP4, BP7

Labcorp Genetics (formerly Invitae), Labcorp
Classification: Likely benign. Last evaluated: 2025-07-21. Review status: criteria provided, single submitter. Criteria: Invitae Variant Classification Sherloc (09022015). Collection method: clinical testing. Allele origin: germline.

Blueprint Genetics
Classification: Likely benign. Last evaluated: 2022-09-15. Review status: criteria provided, single submitter. Criteria: ACMG Guidelines, 2015. Collection method: clinical testing. Allele origin: germline.

NM_138576.4(BCL11B):c.2196A>T (p.Ala732=)

Gene: BCL11B (BCL11 transcription factor B; minus strand). Cytogenetic location: 14q32.2.
Variant type: single nucleotide variant.
Coding change: c.2196A>T on transcript NM_138576.4 (MANE Select); coding-DNA position 2196, A replaced by T.
Protein change: p.Ala732=; no amino-acid change (alanine 732 retained).
Molecular consequence: synonymous variant.
Genome position (GRCh38, 1-based): chr14:99,174,640, T>A on the plus strand (A>T on the coding strand, the complement: BCL11B is on the minus strand). VCF-style: chr14-99174640-T-A. GRCh37 (hg19) VCF-style: chr14-99640977-T-A.
Other names: c.2193A>T, p.Ala731= (NM_001282237.2); c.1980A>T, p.Ala660= (NM_001282238.2); c.1983A>T, p.Ala661= (NM_022898.3).
Identifiers: ClinVar variation 1554040 (VCV001554040.11), dbSNP rs375433500, ClinGen allele CA7339518.
Genomic context (GRCh38, chr14:99,174,640, plus strand): 5'-GAAGCGCAGGCTGCCGTTCTCGGACGAGTGCTCGGACGACGTGGCGAAGGGCGACTGTCG[T>A]GCGTCCGTGAAGCCCAGGAAGGGGTCCTTCATGAAGTGCCGCGACGCCGCGTAGCCCACC-3'
Protein context (NP_612808.1, residues 722-742): MKDPFLGFTD[Ala732=]RQSPFATSSE